The following is an entry in ClinVar:

ClinVar aggregate classification (germline): Pathogenic (1 of 4 stars; one submission).

Conditions:
Duchenne muscular dystrophy (DMD). Also called: Duchenne Muscular Dystrophy (DMD); MUSCULAR DYSTROPHY, PSEUDOHYPERTROPHIC PROGRESSIVE, DUCHENNE TYPE. Identifiers: Orphanet 98896, MedGen C0013264, MONDO:0010679, OMIM 310200.

Submission:

Labcorp Genetics (formerly Invitae), Labcorp
Classification: Pathogenic for Duchenne muscular dystrophy. Last evaluated: 2022-01-02. Review status: criteria provided, single submitter. Criteria: Invitae Variant Classification Sherloc (09022015). Collection method: clinical testing. Allele origin: germline.
Comment: This variant is a gross deletion of the genomic region encompassing exon(s) 6-17 of the DMD gene. This deletion is out-of-frame, and is expected to create a premature termination codon and result in an absent or disrupted protein product. Loss-of-function variants in DMD are known to be pathogenic (PMID: 16770791, 25007885). A similar copy number variant has been observed in individual(s) with Duchenne muscular dystrophy or Becker muscular dystrophy (PMID: 11381192). For these reasons, this variant has been classified as Pathogenic.

Literature cited by the submitters: PubMed 16770791; PubMed 25007885; PubMed 11381192.

NC_000023.10:g.(?_32563256)_(32834777_?)del

Gene: DMD (dystrophin; minus strand). Cytogenetic location: Xp21.1.
Variant type: Deletion.
Identifiers: ClinVar variation 2424846 (VCV002424846.4).